The following is an entry in ClinVar:

ClinVar aggregate classification (germline): Uncertain significance (1 of 4 stars; one submission).

gnomAD v4.1: 1 of 1,614,024 alleles (0.000062%); highest among the groups gnomAD compares: African/African-American, 0.0013%; no homozygotes.

Submission:

Women's Health and Genetics/Laboratory Corporation of America, LabCorp
Classification: Uncertain significance. Last evaluated: 2024-12-03. Review status: criteria provided, single submitter. Criteria: LabCorp Variant Classification Summary - May 2015. Collection method: clinical testing. Allele origin: germline.
Comment: Variant summary: PRX c.1330C>T (p.Leu444Phe) results in a non-conservative amino acid change in the encoded protein sequence. Three of five in-silico tools predict a benign effect of the variant on protein function. The variant was absent in 250806 control chromosomes. The available data on variant occurrences in the general population are insufficient to allow any conclusion about variant significance. To our knowledge, no occurrence of c.1330C>T in individuals affected with Charcot-Marie-Tooth disease type 4F and no experimental evidence demonstrating its impact on protein function have been reported. No submitters have cited clinical-significance assessments for this variant to ClinVar. Based on the evidence outlined above, the variant was classified as uncertain significance.

NM_181882.3(PRX):c.1330C>T (p.Leu444Phe)

Gene: PRX (periaxin; minus strand). Cytogenetic location: 19q13.2.
Variant type: single nucleotide variant.
Coding change: c.1330C>T on transcript NM_181882.3 (MANE Select); coding-DNA position 1330, C replaced by T.
Protein change: p.Leu444Phe; replaces leucine 444 with phenylalanine.
Molecular consequence: missense variant. On other transcripts: 3 prime UTR variant (1).
Genome position (GRCh38, 1-based): chr19:40,397,022, G>A on the plus strand (C>T on the coding strand, the complement: PRX is on the minus strand). VCF-style: chr19-40397022-G-A. GRCh37 (hg19) VCF-style: chr19-40902929-G-A.
Other names: c.1615C>T, p.Leu539Phe (NM_001411127.1); c.*1535C>T (NM_020956.2); short protein forms L444F, L539F.
Identifiers: ClinVar variation 3768341 (VCV003768341.1).
Genomic context (GRCh38, chr19:40,397,022, plus strand): 5'-GAACCTCTGGAAGGGCTGCCTCGGGCACTTTTGGAAGCTTGACCTCAGGAGCCTTGGGGA[G>A]CTTCACTTCAGGTCCCTTGGGCACCTTGACCTCGGGCCCTGACACTCCGATGCCAAGGGA-3'
Protein context (NP_870998.2, residues 434-454): VKVPKGPEVK[Leu444Phe]PKAPEVKLPK